The following is an entry in ClinVar:

NM_033026.6(PCLO):c.7088C>A (p.Ser2363Tyr)

Gene: PCLO (piccolo presynaptic cytomatrix protein; minus strand). Cytogenetic location: 7q21.11.
Variant type: single nucleotide variant.
Coding change: c.7088C>A on transcript NM_033026.6 (MANE Select); coding-DNA position 7088, C replaced by A.
Protein change: p.Ser2363Tyr; replaces serine 2363 with tyrosine.
Molecular consequence: missense variant.
Genome position (GRCh38, 1-based): chr7:82,953,865, G>T on the plus strand (C>A on the coding strand, the complement: PCLO is on the minus strand). VCF-style: chr7-82953865-G-T. GRCh37 (hg19) VCF-style: chr7-82583181-G-T.
Other names: c.7088C>A, p.Ser2363Tyr (NM_014510.3); short protein forms S2363Y.
Identifiers: ClinVar variation 2102598 (VCV002102598.4), dbSNP rs2535698076, ClinGen allele CA367917712.

ClinVar aggregate classification (germline): Uncertain significance (1 of 4 stars; one submission).

Submission:

Labcorp Genetics (formerly Invitae), Labcorp
Classification: Uncertain significance. Last evaluated: 2022-02-23. Review status: criteria provided, single submitter. Criteria: Invitae Variant Classification Sherloc (09022015). Collection method: clinical testing. Allele origin: germline.
Comment: In summary, the available evidence is currently insufficient to determine the role of this variant in disease. Therefore, it has been classified as a Variant of Uncertain Significance. Algorithms developed to predict the effect of missense changes on protein structure and function are either unavailable or do not agree on the potential impact of this missense change (SIFT: "Deleterious"; PolyPhen-2: "Not Available"; Align-GVGD: "Class C0"). This variant has not been reported in the literature in individuals affected with PCLO-related conditions. This variant is not present in population databases (gnomAD no frequency). This sequence change replaces serine, which is neutral and polar, with tyrosine, which is neutral and polar, at codon 2363 of the PCLO protein (p.Ser2363Tyr).